The following is an entry in ClinVar:

ClinVar aggregate classification (germline): Likely benign (1 of 4 stars; one submission).

Submission:

CeGaT Center for Human Genetics Tuebingen
Classification: Likely benign. Last evaluated: 2022-11-01. Review status: criteria provided, single submitter. Criteria: CeGaT Center For Human Genetics Tuebingen Variant Classification Criteria Version 2. Collection method: clinical testing. Allele origin: germline. Affected: yes. Observed: 1 variant allele.
Comment: IQSEC2: BP4, BP7

NM_001111125.3(IQSEC2):c.3549G>C (p.Pro1183=)

Gene: IQSEC2 (IQ motif and Sec7 domain ArfGEF 2; minus strand). Cytogenetic location: Xp11.22.
Variant type: single nucleotide variant.
Coding change: c.3549G>C on transcript NM_001111125.3 (MANE Select); coding-DNA position 3549, G replaced by C.
Protein change: p.Pro1183=; no amino-acid change (proline 1183 retained).
Molecular consequence: synonymous variant. On other transcripts: 3 prime UTR variant (2).
Genome position (GRCh38, 1-based): chrX:53,235,137, C>G on the plus strand (G>C on the coding strand, the complement: IQSEC2 is on the minus strand). VCF-style: chrX-53235137-C-G. GRCh37 (hg19) VCF-style: chrX-53264319-C-G.
Other names: c.*34G>C (NM_001410736.1, NM_015075.2).
Identifiers: ClinVar variation 2660599 (VCV002660599.24), dbSNP rs201321958, ClinGen allele CA516674055.